The following is an entry in ClinVar:

ClinVar aggregate classification (germline): Conflicting classifications of pathogenicity. Review status: criteria provided, conflicting classifications (1 of 4 stars). 8 submissions from 8 submitters: Uncertain significance (2); Likely benign (6). Last evaluated 2026-09-22.

Conditions:
COL6A3-related disorder. Also called: COL6A3-related disorders; COL6A3-related condition.
Bethlem myopathy 1A. Also called: Bethlem Muscular Dystrophy; MYOPATHY, BENIGN CONGENITAL, WITH CONTRACTURES; Bethlem myopathy 1. Identifiers: Orphanet 610, MedGen CN029274, MONDO:0024530, OMIM 158810.

Allele frequency attached by ClinVar (database versions not stated): gnomAD exomes 0.00006 and 0.00009; ExAC 0.00008; ESP Exome Variant Server 0.00031; gnomAD 0.00038 and 0.00046; TOPMed 0.00054.
gnomAD v4.1: 154 of 1,603,332 alleles (0.0096%); highest among the groups gnomAD compares: African/African-American, 0.096%; no homozygotes.

Submissions (8):

PreventionGenetics, part of Exact Sciences
Classification: Likely benign for COL6A3-related condition. Last evaluated: 2026-09-22. Review status: criteria provided, single submitter. Criteria: ACMG Guidelines, 2015. Collection method: clinical testing. Allele origin: germline.
Comment: This variant is classified as likely benign based on ACMG/AMP sequence variant interpretation guidelines (Richards et al. 2015 PMID: 25741868, with internal and published modifications).

CeGaT Center for Human Genetics Tuebingen
Classification: Likely benign. Last evaluated: 2026-07-01. Review status: criteria provided, single submitter. Criteria: CeGaT Center For Human Genetics Tuebingen Variant Classification Criteria Version 2. Collection method: clinical testing. Allele origin: germline. Affected: yes. Observed: 1 variant allele.
Comment: COL6A3: BP4

Labcorp Genetics (formerly Invitae), Labcorp
Classification: Likely benign for Bethlem myopathy 1A. Last evaluated: 2025-12-17. Review status: criteria provided, single submitter. Criteria: Invitae Variant Classification Sherloc (09022015). Collection method: clinical testing. Allele origin: germline.

Mayo Clinic Laboratories, Mayo Clinic
Classification: Likely benign. Last evaluated: 2025-05-27. Review status: criteria provided, single submitter. Criteria: ACMG Guidelines, 2015. Collection method: clinical testing. Allele origin: germline. Observed: 1 variant allele.
Comment: BP4, BP7

Women's Health and Genetics/Laboratory Corporation of America, LabCorp
Classification: Likely benign. Last evaluated: 2025-04-30. Review status: criteria provided, single submitter. Criteria: LabCorp Variant Classification Summary - May 2015. Collection method: clinical testing. Allele origin: germline.

GeneDx
Classification: Likely benign. Last evaluated: 2017-11-13. Review status: criteria provided, single submitter. Criteria: GeneDx Variant Classification (06012015). Collection method: clinical testing. Allele origin: germline. Affected: yes.
Comment: This variant is considered likely benign or benign based on one or more of the following criteria: it is a conservative change, it occurs at a poorly conserved position in the protein, it is predicted to be benign by multiple in silico algorithms, and/or has population frequency not consistent with disease.

Eurofins Ntd Llc (ga)
Classification: Uncertain significance. Last evaluated: 2016-11-15. Review status: criteria provided, single submitter. Criteria: EGL Classification Definitions 2015. Collection method: clinical testing. Allele origin: germline. Observed: 3 variant alleles, 3 heterozygotes.

Genetic Services Laboratory, University of Chicago
Classification: Uncertain significance. Last evaluated: 2016-07-12. Review status: criteria provided, single submitter. Criteria: ACMG Guidelines, 2015. Collection method: clinical testing. Allele origin: germline. Affected: no.

NM_004369.4(COL6A3):c.3680-5C>T

Gene: COL6A3 (collagen type VI alpha 3 chain; minus strand). Cytogenetic location: 2q37.3.
Variant type: single nucleotide variant.
Coding change: c.3680-5C>T on transcript NM_004369.4 (MANE Select); 5 bases into the intron before coding-DNA position 3680, C replaced by T.
Molecular consequence: intron variant.
Genome position (GRCh38, 1-based): chr2:237,372,342, G>A on the plus strand (C>T on the coding strand, the complement: COL6A3 is on the minus strand). VCF-style: chr2-237372342-G-A. GRCh37 (hg19) VCF-style: chr2-238280985-G-A.
Other names: p.?; c.1859-5C>T (NM_057166.5); c.3062-5C>T (NM_057167.4, NM_057165.5); c.2459-5C>T (NM_057164.5).
Identifiers: ClinVar variation 128817 (VCV000128817.26), dbSNP rs370146203, ClinGen allele CA152465.